The following is an entry in ClinVar:

ClinVar aggregate classification (germline): Uncertain significance (1 of 4 stars; one submission).

Conditions:
Combined oxidative phosphorylation deficiency. Identifiers: MedGen C4540031, MONDO:0000732.
Charcot-Marie-Tooth Neuropathy X. Identifiers: MedGen CN118851.

Submission:

Labcorp Genetics (formerly Invitae), Labcorp
Classification: Uncertain significance for Charcot-Marie-Tooth Neuropathy X; Combined oxidative phosphorylation deficiency. Last evaluated: 2022-09-10. Review status: criteria provided, single submitter. Criteria: Invitae Variant Classification Sherloc (09022015). Collection method: clinical testing. Allele origin: germline.
Comment: In summary, the available evidence is currently insufficient to determine the role of this variant in disease. Therefore, it has been classified as a Variant of Uncertain Significance. Advanced modeling of protein sequence and biophysical properties (such as structural, functional, and spatial information, amino acid conservation, physicochemical variation, residue mobility, and thermodynamic stability) has been performed at Invitae for this missense variant, however the output from this modeling did not meet the statistical confidence thresholds required to predict the impact of this variant on AIFM1 protein function. This variant has not been reported in the literature in individuals affected with AIFM1-related conditions. This variant is not present in population databases (gnomAD no frequency). This sequence change replaces proline, which is neutral and non-polar, with threonine, which is neutral and polar, at codon 133 of the AIFM1 protein (p.Pro133Thr).

NM_004208.4(AIFM1):c.397C>A (p.Pro133Thr)

Genes: AIFM1 (apoptosis inducing factor mitochondria associated 1; minus strand), RAB33A (RAB33A, member RAS oncogene family; plus strand). Cytogenetic location: Xq26.1.
Variant type: single nucleotide variant.
Coding change: c.397C>A on transcript NM_004208.4 (MANE Select); coding-DNA position 397, C replaced by A.
Protein change: p.Pro133Thr; replaces proline 133 with threonine.
Molecular consequence: missense variant. On other transcripts: non-coding transcript variant (1).
Genome position (GRCh38, 1-based): chrX:130,147,829, G>T on the plus strand (C>A on the coding strand, the complement: AIFM1 is on the minus strand). VCF-style: chrX-130147829-G-T. GRCh37 (hg19) VCF-style: chrX-129281804-G-T.
Other names: c.397C>A, p.Pro133Thr (NM_001130847.4); c.385C>A, p.Pro129Thr (NM_145812.3); short protein forms P129T, P133T.
Identifiers: ClinVar variation 2008643 (VCV002008643.4), dbSNP rs2523146586, ClinGen allele CA414589086.